The following is an entry in ClinVar:

ClinVar aggregate classification (germline): Benign (1 of 4 stars; one submission).

Allele frequency attached by ClinVar (database versions not stated): gnomAD exomes 0.00039; 1000 Genomes Project 30x 0.00141; 1000 Genomes Project 0.00160; gnomAD 0.00334; TOPMed 0.00367.
gnomAD v4.1: 612 of 398,586 alleles (0.15%); highest among the groups gnomAD compares: African/African-American, 1.1%; 3 homozygotes.

Submission:

CeGaT Center for Human Genetics Tuebingen
Classification: Benign. Last evaluated: 2025-01-01. Review status: criteria provided, single submitter. Criteria: CeGaT Center For Human Genetics Tuebingen Variant Classification Criteria Version 2. Collection method: clinical testing. Allele origin: germline. Affected: yes. Observed: 2 variant alleles.
Comment: KCNQ1OT1: BS1, BS2

NM_000218.3(KCNQ1):c.1394-3979C>T

Genes: KCNQ1 (potassium voltage-gated channel subfamily Q member 1; plus strand), KCNQ1OT1 (KCNQ1 opposite strand/antisense transcript 1; minus strand). Cytogenetic location: 11p15.5.
Variant type: single nucleotide variant.
Coding change: c.1394-3979C>T on transcript NM_000218.3 (MANE Select); 3979 bases into the intron before coding-DNA position 1394, C replaced by T.
Molecular consequence: intron variant.
Genome position (GRCh38, 1-based): chr11:2,657,982, C>T. VCF-style: chr11-2657982-C-T. GRCh37 (hg19) VCF-style: chr11-2679212-C-T.
Other names: c.1124-3979C>T (NM_001406837.1); c.1298-3979C>T (NM_001406836.1); c.854-3979C>T (NM_001406838.1); c.1013-3979C>T (NM_181798.2).
Identifiers: ClinVar variation 2578638 (VCV002578638.25), dbSNP rs138132996, ClinGen allele CA216167785.
Genomic context (GRCh38, chr11:2,657,982, plus strand): 5'-TGGTTTATCACTGGTAATATTAACCTTGAGCCACTCGTTTAAAGTGGTGTCGGCCAGGCT[C>T]CTCCACTGTAAGTGAATAGCTGTTTTTCCCTTTCCATAGCTTAGTCTTTAGAAGCGAGTC-3'